The following is an entry in ClinVar:

ClinVar aggregate classification (germline): Likely benign (1 of 4 stars; one submission).

Conditions:
Hypercholesterolemia, autosomal dominant, 3 (FHCL3). Also called: Familial Hypercholesterolemia, Autosomal Dominant, 3; PCSK9-Related Familial Hypercholesterolemia, Autosomal Dominant; Familial hypercholesterolemia 3. Identifiers: MedGen C1863551, MONDO:0011369, OMIM 603776.

Allele frequency attached by ClinVar (database versions not stated): gnomAD exomes below 0.00001; TOPMed 0.00001; ExAC 0.00002.

Submission:

All of Us Research Program, National Institutes of Health
Classification: Likely benign for Hypercholesterolemia, autosomal dominant, 3. Last evaluated: 2024-02-05. Review status: criteria provided, single submitter. Criteria: ACMG Guidelines, 2015. Collection method: clinical testing. Allele origin: germline. Inheritance: Autosomal dominant inheritance. Observed: 2 variant alleles, 2 heterozygotes.
Comment: This study involves interpretation of variants in research participants for the purpose of population health screening. Participant phenotype was not available at the time of variant classification. Additional details can be found in publication PMID: 35346344, PMCID: PMC8962531

NM_174936.4(PCSK9):c.1378del (p.Val460fs)

Gene: PCSK9 (proprotein convertase subtilisin/kexin type 9; plus strand). Cytogenetic location: 1p32.3.
Variant type: Deletion.
Coding change: c.1378del on transcript NM_174936.4 (MANE Select); coding-DNA position 1378, one base deleted (G; older notation c.1378delG).
Protein change: p.Val460fs; shifts the reading frame from valine 460.
Molecular consequence: frameshift variant. On other transcripts: non-coding transcript variant (8), intron variant (1).
Genome position (GRCh38, 1-based): chr1:55,058,522, G deleted. VCF-style (leftmost placement, unchanged base first): chr1-55058521-TG-T. GRCh37 (hg19) VCF-style: chr1-55524194-TG-T.
Other names: c.1180+1008del (NM_001407247.1); c.1501del, p.Val501fs (NM_001407240.1); c.1378del, p.Val460fs (NM_001407241.1); c.1381del, p.Val461fs (NM_001407242.1); c.1321del, p.Val441fs (NM_001407243.1); c.1204del, p.Val402fs (NM_001407244.1); c.1186del, p.Val396fs (NM_001407245.1); c.1003del, p.Val335fs (NM_001407246.1); short protein forms V335fs, V396fs, V402fs, V441fs, V460fs, V461fs, V501fs.
Identifiers: ClinVar variation 3075555 (VCV003075555.1), dbSNP rs749090549, ClinGen allele CA036633.
Genomic context (GRCh38, chr1:55,058,521, plus strand): 5'-TCCCAGCACCCCCTCCTCATCCCAGGCCCTTTTTGCAGGTTGGCAGCTGTTTTGCAGGAC[TG>T]TATGGTCAGCACACTCGGGGCCTACACGGATGGCCACAGCCGTCGCCCGCTGCGCCCCAG-3'